The following is an entry in ClinVar:

NM_000203.5(IDUA):c.1558G>C (p.Ala520Pro)

Gene: IDUA (alpha-L-iduronidase; plus strand). Cytogenetic location: 4p16.3.
Variant type: single nucleotide variant.
Coding change: c.1558G>C on transcript NM_000203.5 (MANE Select); coding-DNA position 1558, G replaced by C.
Protein change: p.Ala520Pro; replaces alanine 520 with proline.
Molecular consequence: missense variant. On other transcripts: non-coding transcript variant (1).
Genome position (GRCh38, 1-based): chr4:1,003,378, G>C. VCF-style: chr4-1003378-G-C. GRCh37 (hg19) VCF-style: chr4-997166-G-C.
Other names: c.1162G>C, p.Ala388Pro (NM_001363576.1); short protein forms A520P, A388P.
Identifiers: ClinVar variation 1985935 (VCV001985935.4), dbSNP rs1274282916, ClinGen allele CA355964960.

ClinVar aggregate classification (germline): Uncertain significance (1 of 4 stars; one submission).

Conditions:
Mucopolysaccharidosis type 1. Also called: IDUA deficiency; MPS I; Mucopolysaccharidosis Type I. Identifiers: Orphanet 579, MedGen C0023786, MONDO:0001586.

Submission:

Labcorp Genetics (formerly Invitae), Labcorp
Classification: Uncertain significance for Mucopolysaccharidosis type 1. Last evaluated: 2022-07-19. Review status: criteria provided, single submitter. Criteria: Invitae Variant Classification Sherloc (09022015). Collection method: clinical testing. Allele origin: germline.
Comment: In summary, the available evidence is currently insufficient to determine the role of this variant in disease. Therefore, it has been classified as a Variant of Uncertain Significance. Advanced modeling of protein sequence and biophysical properties (such as structural, functional, and spatial information, amino acid conservation, physicochemical variation, residue mobility, and thermodynamic stability) performed at Invitae indicates that this missense variant is not expected to disrupt IDUA protein function. This variant has not been reported in the literature in individuals affected with IDUA-related conditions. This variant is not present in population databases (gnomAD no frequency). This sequence change replaces alanine, which is neutral and non-polar, with proline, which is neutral and non-polar, at codon 520 of the IDUA protein (p.Ala520Pro).